The following is an entry in ClinVar:

NM_001845.6(COL4A1):c.1419C>T (p.Asp473=)

Gene: COL4A1 (collagen type IV alpha 1 chain; minus strand). Cytogenetic location: 13q34.
Variant type: single nucleotide variant.
Coding change: c.1419C>T on transcript NM_001845.6 (MANE Select); coding-DNA position 1419, C replaced by T.
Protein change: p.Asp473=; no amino-acid change (aspartic acid 473 retained).
Molecular consequence: synonymous variant.
Genome position (GRCh38, 1-based): chr13:110,192,876, G>A on the plus strand (C>T on the coding strand, the complement: COL4A1 is on the minus strand). VCF-style: chr13-110192876-G-A. GRCh37 (hg19) VCF-style: chr13-110845223-G-A.
Other names: c.1419C>T, p.Asp473= (NM_001303110.2).
Identifiers: ClinVar variation 884191 (VCV000884191.16), dbSNP rs140440365, ClinGen allele CA7047942.

ClinVar aggregate classification (germline): Benign/Likely benign. Review status: criteria provided, multiple submitters, no conflicts (2 of 4 stars). 5 submissions from 4 submitters: Benign (2); Likely benign (3). Last evaluated 2025-12-08.

Conditions:
Brain small vessel disease 1 with or without ocular anomalies (BSVD1). Also called: PORENCEPHALY, TYPE 1, AUTOSOMAL DOMINANT; BRAIN SMALL VESSEL DISEASE WITH HEMORRHAGE; Brain small vessel disease with or without ocular anomalies; GOULD SYNDROME 1. Identifiers: Orphanet 2940, Orphanet 36383, Orphanet 99810, MedGen C4755307, MONDO:0008289, OMIM 175780.
Microangiopathy and leukoencephalopathy, pontine, autosomal dominant. Also called: Pontine autosomal dominant microangiopathy with leukoencephalopathy; DEMENTIA, HEREDITARY MULTI-INFARCT, SWEDISH TYPE. Identifiers: Orphanet 477749, MedGen C5231411, MONDO:0032814, OMIM 618564.
Autosomal dominant familial hematuria-retinal arteriolar tortuosity-contractures syndrome. Also called: Angiopathy, hereditary, with nephropathy, aneurysms, and muscle cramps; Hereditary Angiopathy with Nephropathy, Aneurysms, and Muscle Cramps (HANAC) Syndrome. Identifiers: Orphanet 73229, MedGen C2673195, MONDO:0012726, OMIM 611773.
Hemorrhage, intracerebral, susceptibility to (ICH). Also called: Stroke, hemorrhagic, susceptibility to. Identifiers: MedGen C3281105, MONDO:0100533, OMIM 614519.
Retinal arterial tortuosity. Also called: RETINAL HEMORRHAGE WITH VASCULAR TORTUOSITY; Retinal arteries, tortuosity of. Identifiers: Orphanet 75326, MedGen C0423401, MONDO:0008373, OMIM 180000, HP:0000631.

Allele frequency attached by ClinVar (database versions not stated): gnomAD exomes 0.00006; ExAC 0.00007; gnomAD 0.00011 and 0.00012; ESP Exome Variant Server 0.00015.
gnomAD v4.1: 115 of 1,613,898 alleles (0.0071%); highest among the groups gnomAD compares: Middle Eastern, 0.033%; no homozygotes.

Submissions (5):

Labcorp Genetics (formerly Invitae), Labcorp
Classification: Likely benign. Last evaluated: 2025-12-08. Review status: criteria provided, single submitter. Criteria: Invitae Variant Classification Sherloc (09022015). Collection method: clinical testing. Allele origin: germline.

Blueprint Genetics
Classification: Likely benign. Last evaluated: 2024-06-17. Review status: criteria provided, single submitter. Criteria: ACMG Guidelines, 2015. Collection method: clinical testing. Allele origin: germline.

Fulgent Genetics
Classification: Likely benign for Brain small vessel disease 1 with or without ocular anomalies; Retinal arterial tortuosity; Autosomal dominant familial hematuria-retinal arteriolar tortuosity-contractures syndrome; Hemorrhage, intracerebral, susceptibility to; Microangiopathy and leukoencephalopathy, pontine, autosomal dominant. Last evaluated: 2022-04-21. Review status: criteria provided, single submitter. Criteria: ACMG Guidelines, 2015. Collection method: clinical testing. Allele origin: unknown.

Illumina Laboratory Services, Illumina
Classification: Benign for Brain small vessel disease 1 with or without ocular anomalies. Last evaluated: 2018-01-13. Review status: criteria provided, single submitter. Criteria: ICSL Variant Classification Criteria 13 December 2019. Collection method: clinical testing. Allele origin: germline.
Comment: This variant was observed in the ICSL laboratory as part of a predisposition screen in an ostensibly healthy population. It had not been previously curated by ICSL or reported in the Human Gene Mutation Database (HGMD: prior to June 1st, 2018), and was therefore a candidate for classification through an automated scoring system. Utilizing variant allele frequency, disease prevalence and penetrance estimates, and inheritance mode, an automated score was calculated to assess if this variant is too frequent to cause the disease. Based on the score and internal cut-off values, a variant classified as benign is not then subjected to further curation. The score for this variant resulted in a classification of benign for this disease.

Illumina Laboratory Services, Illumina
Classification: Benign for Autosomal dominant familial hematuria-retinal arteriolar tortuosity-contractures syndrome. Last evaluated: 2018-01-13. Review status: criteria provided, single submitter. Criteria: ICSL Variant Classification Criteria 13 December 2019. Collection method: clinical testing. Allele origin: germline.
Comment: the same text as in the submission from Illumina Laboratory Services, Illumina above.